The following is an entry in ClinVar:

ClinVar aggregate classification (germline): Likely benign (0 of 4 stars; one submission).

Conditions:
SCAPER-related disorder. Also called: SCAPER-related condition.

Submission:

PreventionGenetics, part of Exact Sciences
Classification: Likely benign for SCAPER-related condition. Last evaluated: 2019-03-28. Review status: no assertion criteria provided. Collection method: clinical testing. Allele origin: germline.
Comment: This variant is classified as likely benign based on ACMG/AMP sequence variant interpretation guidelines (Richards et al. 2015 PMID: 25741868, with internal and published modifications).

NM_020843.4(SCAPER):c.627A>T (p.Thr209=)

Gene: SCAPER (S-phase cyclin A associated protein in the ER; minus strand). Cytogenetic location: 15q24.3.
Variant type: single nucleotide variant.
Coding change: c.627A>T on transcript NM_020843.4 (MANE Select); coding-DNA position 627, A replaced by T.
Protein change: p.Thr209=; no amino-acid change (threonine 209 retained).
Molecular consequence: synonymous variant. On other transcripts: 5 prime UTR variant (1), non-coding transcript variant (1).
Genome position (GRCh38, 1-based): chr15:76,795,425, T>A on the plus strand (A>T on the coding strand, the complement: SCAPER is on the minus strand). VCF-style: chr15-76795425-T-A. GRCh37 (hg19) VCF-style: chr15-77087766-T-A.
Other names: c.-271A>T (NM_001145923.2); c.627A>T, p.Thr209= (NM_001353009.2); c.225A>T, p.Thr75= (NM_001353010.2, NM_001353011.2, NM_001353012.2).
Identifiers: ClinVar variation 3040245 (VCV003040245.2), dbSNP rs2546004709, ClinGen allele CA491455449.